The following is an entry in ClinVar:

NM_000256.3(MYBPC3):c.3277G>A (p.Gly1093Ser)

Gene: MYBPC3 (myosin binding protein C3; minus strand). Cytogenetic location: 11p11.2.
Variant type: single nucleotide variant.
Coding change: c.3277G>A on transcript NM_000256.3 (MANE Select); coding-DNA position 3277, G replaced by A.
Protein change: p.Gly1093Ser; replaces glycine 1093 with serine.
Molecular consequence: missense variant.
Genome position (GRCh38, 1-based): chr11:47,333,247, C>T on the plus strand (G>A on the coding strand, the complement: MYBPC3 is on the minus strand). VCF-style: chr11-47333247-C-T. GRCh37 (hg19) VCF-style: chr11-47354798-C-T.
Other names: c.3277G>A, p.Gly1093Ser (LRG_386t1); short protein forms G1093S.
Identifiers: ClinVar variation 662323 (VCV000662323.15), dbSNP rs727503173, ClinGen allele CA380314196.
Genomic context (GRCh38, chr11:47,333,247, plus strand): 5'-GGCTCACCATGGTCTTCTTGTCGGCTTTCTGCACTGTGTACCCCCAGAGCTCCGTGTTGC[C>T]GACATCCTGGGGTGGCTTCCACTCCAGAGCCACATTAAGACCCCAGGCGTCAGTCACCCG-3'
Protein context (NP_000247.2, residues 1083-1103): ALEWKPPQDV[Gly1093Ser]NTELWGYTVQ

ClinVar aggregate classification (germline): Uncertain significance. Review status: criteria provided, multiple submitters, no conflicts (2 of 4 stars). 4 submissions from 4 submitters: Uncertain significance (4). Last evaluated 2025-05-27.

Conditions:
Cardiomyopathy (CMYO). Also called: Cardiomyopathies. Identifiers: Orphanet 167848, MedGen C0878544, MONDO:0004994, HP:0001638. Inheritance: Various modes of inheritance.
Hypertrophic cardiomyopathy 4. Also called: Familial hypertrophic cardiomyopathy 4. Identifiers: MedGen C1861862, MONDO:0007268, OMIM 115197.
Left ventricular noncompaction 10 (LVNC10). Identifiers: Orphanet 154, Orphanet 54260, MedGen C3715165, MONDO:0014163, OMIM 615396.
Hypertrophic cardiomyopathy. Also called: HYPERTROPHIC MYOCARDIOPATHY. Identifiers: Orphanet 217569, MedGen C0007194, MeSH D002312, MONDO:0005045, HP:0001639.

Allele frequency attached by ClinVar (database versions not stated): TOPMed 0.00001.

Submissions (4):

Labcorp Genetics (formerly Invitae), Labcorp
Classification: Uncertain significance for Hypertrophic cardiomyopathy. Last evaluated: 2025-05-27. Review status: criteria provided, single submitter. Criteria: Invitae Variant Classification Sherloc (09022015). Collection method: clinical testing. Allele origin: germline.
Comment: This sequence change replaces glycine, which is neutral and non-polar, with serine, which is neutral and polar, at codon 1093 of the MYBPC3 protein (p.Gly1093Ser). The frequency data for this variant in the population databases is considered unreliable, as metrics indicate poor data quality at this position in the gnomAD database. This missense change has been observed in individual(s) with MYBPC3-related conditions (internal data). ClinVar contains an entry for this variant (Variation ID: 662323). An algorithm developed to predict the effect of missense changes on protein structure and function (PolyPhen-2) suggests that this variant is likely to be disruptive. In summary, the available evidence is currently insufficient to determine the role of this variant in disease. Therefore, it has been classified as a Variant of Uncertain Significance.

All of Us Research Program, National Institutes of Health
Classification: Uncertain significance for Hypertrophic cardiomyopathy. Last evaluated: 2024-06-17. Review status: criteria provided, single submitter. Criteria: ACMG Guidelines, 2015. Collection method: clinical testing. Allele origin: germline. Inheritance: Autosomal dominant inheritance. Observed: 4 variant alleles, 4 heterozygotes.
Comment: This missense variant replaces glycine with serine at codon 1093 of the MYBPC3 protein. Computational prediction suggests that this variant may have deleterious impact on protein structure and function (internally defined REVEL score threshold >= 0.7, PMID: 27666373). To our knowledge, functional studies have not been reported for this variant. This variant has not been reported in individuals affected with MYBPC3-related disorders in the literature. This variant has been identified in 1/202600 chromosomes in the general population by the Genome Aggregation Database (gnomAD). The available evidence is insufficient to determine the role of this variant in disease conclusively. Therefore, this variant is classified as a Variant of Uncertain Significance.

This study involves interpretation of variants in research participants for the purpose of population health screening. Participant phenotype was not available at the time of variant classification. Additional details can be found in publication PMID: 35346344, PMCID: PMC8962531

Color Diagnostics, LLC DBA Color Health
Classification: Uncertain significance for Cardiomyopathy. Last evaluated: 2024-04-29. Review status: criteria provided, single submitter. Criteria: ACMG Guidelines, 2015. Collection method: clinical testing. Allele origin: germline.
Comment: This missense variant replaces glycine with serine at codon 1093 of the MYBPC3 protein. Computational prediction tools indicate that this variant has a deleterious impact on protein structure and function. To our knowledge, functional studies have not been reported for this variant. This variant has not been reported in individuals affected with MYBPC3-related disorders in the literature. This variant has been identified in 1/202600 chromosomes in the general population by the Genome Aggregation Database (gnomAD). The available evidence is insufficient to determine the role of this variant in disease conclusively. Therefore, this variant is classified as a Variant of Uncertain Significance.

Juno Genomics, Hangzhou Juno Genomics, Inc
Classification: Uncertain significance for Left ventricular noncompaction 10; Hypertrophic cardiomyopathy 4. Review status: criteria provided, single submitter. Criteria: ACMG Guidelines, 2015. Collection method: clinical testing. Allele origin: germline. Affected: yes.
Comment: Absent from controls (or at extremely low frequency if recessive) in Genome Aggregation Database, Exome Sequencing Project, 1000 Genomes Project, or Exome Aggregation Consortium.;Multiple lines of computational evidence support a deleterious effect on the gene or gene product (conservation, evolutionary, splicing impact, etc).